The following is an entry in ClinVar:

NM_031206.7(LAS1L):c.727G>A (p.Asp243Asn)

Gene: LAS1L (LAS1 like ribosome biogenesis factor; minus strand). Cytogenetic location: Xq12.
Variant type: single nucleotide variant.
Coding change: c.727G>A on transcript NM_031206.7 (MANE Select); coding-DNA position 727, G replaced by A.
Protein change: p.Asp243Asn; replaces aspartic acid 243 with asparagine.
Molecular consequence: missense variant. On other transcripts: 5 prime UTR variant (1), non-coding transcript variant (1).
Genome position (GRCh38, 1-based): chrX:65,529,666, C>T on the plus strand (G>A on the coding strand, the complement: LAS1L is on the minus strand). VCF-style: chrX-65529666-C-T. GRCh37 (hg19) VCF-style: chrX-64749546-C-T.
Other names: c.727G>A, p.Asp243Asn (NM_001170649.2, NM_001375328.1, NM_001375329.1 and 8 more transcripts); c.601G>A, p.Asp201Asn (NM_001170650.2); c.-70G>A (NM_001375332.1); short protein forms D201N, D243N.
Identifiers: ClinVar variation 2433415 (VCV002433415.8), dbSNP rs773997389, ClinGen allele CA10434036.
Genomic context (GRCh38, chrX:65,529,666, plus strand): 5'-TATGACTCAGGGCCTTTTTGCAATGAGAATCCACCTCTTCGCTGCCTTTGCTGTCTCCAT[C>T]GGCCTTTACATCTGACTCCGTACTTTTCCCATCATCCTGAGGCTCTGGTTTCTGTTCTGT-3'
Protein context (NP_112483.1, residues 233-253): GKSTESDVKA[Asp243Asn]GDSKGSEEVD

ClinVar aggregate classification (germline): Uncertain significance. Review status: criteria provided, multiple submitters, no conflicts (2 of 4 stars). 3 submissions from 3 submitters: Uncertain significance (3). Last evaluated 2026-07-16.

Conditions:
Wilson-Turner syndrome (WTS). Also called: INTELLECTUAL DEVELOPMENTAL DISORDER, X-LINKED, SYNDROMIC, WILSON-TURNER TYPE; MENTAL RETARDATION, X-LINKED, SYNDROMIC 6. Identifiers: Orphanet 3459, MedGen C1839736, MONDO:0010665, OMIM 309585.

Allele frequency attached by ClinVar (database versions not stated): TOPMed below 0.00001; ExAC 0.00001; gnomAD 0.00001.
gnomAD v4.1: 3 of 1,209,845 alleles (0.00025%); highest among the groups gnomAD compares: South Asian, 0.0018%; no homozygotes.

Submissions (3):

GeneDx
Classification: Uncertain significance. Last evaluated: 2026-07-16. Review status: criteria provided, single submitter. Criteria: GeneDx Variant Classification Process June 2021. Collection method: clinical testing. Allele origin: germline.
Comment: In silico analysis supports that this missense variant does not alter protein structure/function; Has not been previously published as pathogenic or benign to our knowledge

Labcorp Genetics (formerly Invitae), Labcorp
Classification: Uncertain significance for Wilson-Turner syndrome. Last evaluated: 2023-02-21. Review status: criteria provided, single submitter. Criteria: Invitae Variant Classification Sherloc (09022015). Collection method: clinical testing. Allele origin: germline.
Comment: In summary, the available evidence is currently insufficient to determine the role of this variant in disease. Therefore, it has been classified as a Variant of Uncertain Significance. Advanced modeling of protein sequence and biophysical properties (such as structural, functional, and spatial information, amino acid conservation, physicochemical variation, residue mobility, and thermodynamic stability) performed at Invitae indicates that this missense variant is not expected to disrupt LAS1L protein function. This sequence change replaces aspartic acid, which is acidic and polar, with asparagine, which is neutral and polar, at codon 243 of the LAS1L protein (p.Asp243Asn). This variant is present in population databases (rs773997389, gnomAD 0.008%). This variant has not been reported in the literature in individuals affected with LAS1L-related conditions.

Revvity Omics, Revvity
Classification: Uncertain significance for Wilson-Turner syndrome. Last evaluated: 2020-10-29. Review status: criteria provided, single submitter. Criteria: ACMG Guidelines, 2015. Collection method: clinical testing. Allele origin: germline.